The following is an entry in ClinVar:

ClinVar aggregate classification (germline): Uncertain significance (1 of 4 stars; one submission).

Submission:

GeneDx
Classification: Uncertain significance. Last evaluated: 2023-08-02. Review status: criteria provided, single submitter. Criteria: GeneDx Variant Classification Process June 2021. Collection method: clinical testing. Allele origin: germline. Affected: yes.
Comment: Not observed at significant frequency in large population cohorts (gnomAD); In silico analysis supports that this missense variant does not alter protein structure/function; Has not been previously published as pathogenic or benign to our knowledge

NM_001136035.4(TRMT1):c.1852G>A (p.Asp618Asn)

Gene: TRMT1 (tRNA methyltransferase 1; minus strand). Cytogenetic location: 19p13.13.
Variant type: single nucleotide variant.
Coding change: c.1852G>A on transcript NM_001136035.4 (MANE Select); coding-DNA position 1852, G replaced by A.
Protein change: p.Asp618Asn; replaces aspartic acid 618 with asparagine.
Molecular consequence: missense variant.
Genome position (GRCh38, 1-based): chr19:13,105,063, C>T on the plus strand (G>A on the coding strand, the complement: TRMT1 is on the minus strand). VCF-style: chr19-13105063-C-T. GRCh37 (hg19) VCF-style: chr19-13215877-C-T.
Other names: c.1765G>A, p.Asp589Asn (NM_001142554.3, NM_001351760.2); c.1744G>A, p.Asp582Asn (NM_001351761.2); c.1069G>A, p.Asp357Asn (NM_001351762.2); c.1852G>A, p.Asp618Asn (NM_017722.5); short protein forms D357N, D582N, D589N, D618N.
Identifiers: ClinVar variation 3361751 (VCV003361751.1).